The following is an entry in ClinVar:

ClinVar aggregate classification (germline): Pathogenic (1 of 4 stars; one submission).

Conditions:
DPM3-congenital disorder of glycosylation (MDDGC15). Also called: DPM3-CDG; CDG Io; CDG1(DPM3); MUSCULAR DYSTROPHY-DYSTROGLYCANOPATHY (LIMB-GIRDLE), TYPE C, 15. Identifiers: Orphanet 263494, MedGen C2752007, MONDO:0013049, OMIM 612937.

Submission:

Labcorp Genetics (formerly Invitae), Labcorp
Classification: Pathogenic for DPM3-congenital disorder of glycosylation. Last evaluated: 2022-10-05. Review status: criteria provided, single submitter. Criteria: Invitae Variant Classification Sherloc (09022015). Collection method: clinical testing. Allele origin: germline.
Comment: For these reasons, this variant has been classified as Pathogenic. This variant disrupts a region of the DPM3 protein in which other variant(s) (p.Leu14Pro) have been determined to be pathogenic (PMID: 28803818, 31266720). This suggests that this is a clinically significant region of the protein, and that variants that disrupt it are likely to be disease-causing. This variant has not been reported in the literature in individuals affected with DPM3-related conditions. This variant is not present in population databases (gnomAD no frequency). This sequence change creates a premature translational stop signal (p.Trp9*) in the DPM3 gene. While this is not anticipated to result in nonsense mediated decay, it is expected to disrupt the last 84 amino acid(s) of the DPM3 protein.

Literature cited by the submitters: PubMed 28803818; PubMed 31266720.

NM_153741.2(DPM3):c.27G>A (p.Trp9Ter)

Gene: DPM3 (dolichyl-phosphate mannosyltransferase subunit 3, regulatory; minus strand). Cytogenetic location: 1q22.
Variant type: single nucleotide variant.
Coding change: c.27G>A on transcript NM_153741.2 (MANE Select); coding-DNA position 27, G replaced by A.
Protein change: p.Trp9Ter; replaces tryptophan 9 with a stop codon.
Molecular consequence: nonsense.
Genome position (GRCh38, 1-based): chr1:155,140,214, C>T on the plus strand (G>A on the coding strand, the complement: DPM3 is on the minus strand). VCF-style: chr1-155140214-C-T. GRCh37 (hg19) VCF-style: chr1-155112690-C-T.
Other names: c.117G>A, p.Trp39Ter (NM_018973.4); short protein forms W9*, W39*.
Identifiers: ClinVar variation 1989778 (VCV001989778.4), dbSNP rs2526669183, ClinGen allele CA342664982.
Genomic context (GRCh38, chr1:155,140,214, plus strand): 5'-CTCCAGGCCCAAGGCTCCCGTGGTCAGGGCCACCCAGGTGGAGCCCAGGATCGCTAGTCC[C>T]CAAAGCCACTGCGCTAATTTCGTCATGGTCACTGCGAGAGAAGGAAGCAATGCTCCCCTG-3'